The following is an entry in ClinVar:

NM_022041.4(GAN):c.*2322T>G

Gene: GAN (gigaxonin; plus strand). Cytogenetic location: 16q23.2.
Variant type: single nucleotide variant.
Coding change: c.*2322T>G on transcript NM_022041.4 (MANE Select); 2322 bases downstream of the stop codon, T replaced by G.
Molecular consequence: 3 prime UTR variant.
Genome position (GRCh38, 1-based): chr16:81,379,918, T>G. VCF-style: chr16-81379918-T-G. GRCh37 (hg19) VCF-style: chr16-81413523-T-G.
Other names: c.*2322T>G (NM_001377486.1).
Identifiers: ClinVar variation 320712 (VCV000320712.5), dbSNP rs11862952, ClinGen allele CA10638453.

ClinVar aggregate classification (germline): Benign (1 of 4 stars; one submission).

Conditions:
Giant axonal neuropathy 1 (GAN1). Also called: GAN-Related Neurodegeneration; GIANT AXONAL NEUROPATHY 1, AUTOSOMAL RECESSIVE. Identifiers: Orphanet 643, MedGen C1850386, MONDO:0009749, OMIM 256850.

Allele frequency attached by ClinVar (database versions not stated): gnomAD exomes 0.00278; TOPMed 0.02046; 1000 Genomes Project 0.02137; gnomAD 0.02145 and 0.02277; 1000 Genomes Project 30x 0.02467.
gnomAD v4.1: 2,744 of 129,976 alleles (2.1%); highest among the groups gnomAD compares: African/African-American, 8.6%; 84 homozygotes.

Submission:

Illumina Laboratory Services, Illumina
Classification: Benign for Giant axonal neuropathy 1. Last evaluated: 2018-01-12. Review status: criteria provided, single submitter. Criteria: ICSL Variant Classification Criteria 13 December 2019. Collection method: clinical testing. Allele origin: germline.
Comment: This variant was observed in the ICSL laboratory as part of a predisposition screen in an ostensibly healthy population. It had not been previously curated by ICSL or reported in the Human Gene Mutation Database (HGMD: prior to June 1st, 2018), and was therefore a candidate for classification through an automated scoring system. Utilizing variant allele frequency, disease prevalence and penetrance estimates, and inheritance mode, an automated score was calculated to assess if this variant is too frequent to cause the disease. Based on the score and internal cut-off values, a variant classified as benign is not then subjected to further curation. The score for this variant resulted in a classification of benign for this disease.